The following is an entry in ClinVar:

ClinVar aggregate classification (germline): Likely benign. Review status: criteria provided, multiple submitters, no conflicts (2 of 4 stars). 6 submissions from 6 submitters: Likely benign (5). 1 of the submissions does not count toward it. Last evaluated 2026-01-05.

Conditions:
SIX5-related disorder. Also called: SIX5-related condition.

Allele frequency attached by ClinVar (database versions not stated): gnomAD exomes 0.00025 and 0.00046; 1000 Genomes Project 0.00040; ExAC 0.00044; 1000 Genomes Project 30x 0.00047; ESP Exome Variant Server 0.00093; gnomAD 0.00096 and 0.00106; TOPMed 0.00132.
gnomAD v4.1: 514 of 1,611,986 alleles (0.032%); highest among the groups gnomAD compares: African/African-American, 0.34%; no homozygotes.

Submissions (6):

Labcorp Genetics (formerly Invitae), Labcorp
Classification: Likely benign. Last evaluated: 2026-01-05. Review status: criteria provided, single submitter. Criteria: Invitae Variant Classification Sherloc (09022015). Collection method: clinical testing. Allele origin: germline.

Blueprint Genetics
Classification: Likely benign. Last evaluated: 2024-10-11. Review status: criteria provided, single submitter. Criteria: ACMG Guidelines, 2015. Collection method: clinical testing. Allele origin: germline.

CeGaT Center for Human Genetics Tuebingen
Classification: Likely benign. Last evaluated: 2024-10-01. Review status: criteria provided, single submitter. Criteria: CeGaT Center For Human Genetics Tuebingen Variant Classification Criteria Version 2. Collection method: clinical testing. Allele origin: germline. Affected: yes. Observed: 1 variant allele.
Comment: SIX5: PP3, BS2

GeneDx
Classification: Likely benign. Last evaluated: 2020-09-16. Review status: criteria provided, single submitter. Criteria: GeneDx Variant Classification Process June 2021. Collection method: clinical testing. Allele origin: germline. Affected: yes.

Breakthrough Genomics
Classification: Likely benign. Review status: criteria provided, single submitter. Criteria: ACMG Guidelines, 2015. Collection method: not provided. Allele origin: germline. Inheritance: Unknown mechanism. Affected: yes.

PreventionGenetics, part of Exact Sciences
Classification: Likely benign for SIX5-related condition. Last evaluated: 2021-05-05. Review status: no assertion criteria provided. Collection method: clinical testing. Allele origin: germline. Not counted in ClinVar's aggregate classification.
Comment: This variant is classified as likely benign based on ACMG/AMP sequence variant interpretation guidelines (Richards et al. 2015 PMID: 25741868, with internal and published modifications).

NM_175875.5(SIX5):c.811G>A (p.Asp271Asn)

Genes: SIX5 (SIX homeobox 5; minus strand), LOC107075317 (origin of replication in DMPK trinucleotide repeat region; plus strand). Cytogenetic location: 19q13.32.
Variant type: single nucleotide variant.
Coding change: c.811G>A on transcript NM_175875.5 (MANE Select); coding-DNA position 811, G replaced by A.
Protein change: p.Asp271Asn; replaces aspartic acid 271 with asparagine.
Molecular consequence: missense variant.
Genome position (GRCh38, 1-based): chr19:45,767,148, C>T on the plus strand (G>A on the coding strand, the complement: SIX5 is on the minus strand). VCF-style: chr19-45767148-C-T. GRCh37 (hg19) VCF-style: chr19-46270406-C-T.
Other names: short protein forms D271N.
Identifiers: ClinVar variation 507629 (VCV000507629.30), dbSNP rs148645884, ClinGen allele CA9520749.